The following is an entry in ClinVar:

NM_002335.4(LRP5):c.2241G>A (p.Leu747=)

Gene: LRP5 (LDL receptor related protein 5; plus strand). Cytogenetic location: 11q13.2.
Variant type: single nucleotide variant.
Coding change: c.2241G>A on transcript NM_002335.4 (MANE Select); coding-DNA position 2241, G replaced by A.
Protein change: p.Leu747=; no amino-acid change (leucine 747 retained).
Molecular consequence: synonymous variant.
Genome position (GRCh38, 1-based): chr11:68,410,063, G>A. VCF-style: chr11-68410063-G-A. GRCh37 (hg19) VCF-style: chr11-68177531-G-A.
Other names: c.498G>A, p.Leu166= (NM_001291902.2); c.2241G>A (NM_002335.3).
Identifiers: ClinVar variation 597736 (VCV000597736.17), dbSNP rs867927445, ClinGen allele CA224270133.
Genomic context (GRCh38, chr11:68,410,063, plus strand): 5'-GATGGGCAAGAACCTCTACTGGGCCGACACTGGGACCAACAGAATCGAAGTGGCGCGGCT[G>A]GACGGGCAGTTCCGGCAAGTCCTCGTGTGGAGGGACTTGGACAACCCGAGGTCGCTGGCC-3'
Protein context (NP_002326.2, residues 737-757): TGTNRIEVAR[Leu747=]DGQFRQVLVW

ClinVar aggregate classification (germline): Conflicting classifications of pathogenicity. Review status: criteria provided, conflicting classifications (1 of 4 stars). 4 submissions from 4 submitters: Uncertain significance (2); Likely benign (2). Last evaluated 2026-09-21.

Conditions:
LRP5-related disorder. Also called: LRP5-related condition.

Allele frequency attached by ClinVar (database versions not stated): gnomAD 0.00001 and 0.00003; gnomAD exomes 0.00001; TOPMed 0.00002.
gnomAD v4.1: 24 of 1,613,908 alleles (0.0015%); highest among the groups gnomAD compares: Middle Eastern, 0.099%; no homozygotes.

Submissions (4):

PreventionGenetics, part of Exact Sciences
Classification: Likely benign for LRP5-related condition. Last evaluated: 2026-09-21. Review status: criteria provided, single submitter. Criteria: ACMG Guidelines, 2015. Collection method: clinical testing. Allele origin: germline.
Comment: This variant is classified as likely benign based on ACMG/AMP sequence variant interpretation guidelines (Richards et al. 2015 PMID: 25741868, with internal and published modifications).

Labcorp Genetics (formerly Invitae), Labcorp
Classification: Likely benign. Last evaluated: 2025-07-03. Review status: criteria provided, single submitter. Criteria: Invitae Variant Classification Sherloc (09022015). Collection method: clinical testing. Allele origin: germline.

GeneDx
Classification: Uncertain significance. Last evaluated: 2022-04-04. Review status: criteria provided, single submitter. Criteria: GeneDx Variant Classification Process June 2021. Collection method: clinical testing. Allele origin: germline. Affected: yes.
Comment: Reported with a second variant in an unknown phase in a patient with a history of long bone fractures (Saarinen et al., 2010); Not observed at significant frequency in large population cohorts (gnomAD); In silico analysis supports that this variant does not alter splicing; This variant is associated with the following publications: (PMID: 20045498)

Eurofins Ntd Llc (ga)
Classification: Uncertain significance. Last evaluated: 2018-07-03. Review status: criteria provided, single submitter. Criteria: EGL ClinVar v180209 classification definitions. Collection method: clinical testing. Allele origin: germline. Observed: 1 variant allele, 1 heterozygote.